The following is an entry in ClinVar:

ClinVar aggregate classification (germline): Likely benign (1 of 4 stars; one submission).

gnomAD v4.1: 1 of 1,614,116 alleles (0.000062%); highest among the groups gnomAD compares: African/African-American, 0.0013%; no homozygotes.

Submission:

GeneDx
Classification: Likely benign. Last evaluated: 2017-10-06. Review status: criteria provided, single submitter. Criteria: GeneDx Variant Classification (06012015). Collection method: clinical testing. Allele origin: germline. Affected: yes.
Comment: This variant is considered likely benign or benign based on one or more of the following criteria: it is a conservative change, it occurs at a poorly conserved position in the protein, it is predicted to be benign by multiple in silico algorithms, and/or has population frequency not consistent with disease.

NM_002206.3(ITGA7):c.2357+10G>T

Genes: ITGA7 (integrin subunit alpha 7; minus strand), LOC126861535 (CDK7 strongly-dependent group 2 enhancer GRCh37_chr12:56087579-56088778; plus strand). Cytogenetic location: 12q13.2.
Variant type: single nucleotide variant.
Coding change: c.2357+10G>T on transcript NM_002206.3 (MANE Select); 10 bases into the intron after coding-DNA position 2357, G replaced by T.
Molecular consequence: intron variant.
Genome position (GRCh38, 1-based): chr12:55,694,433, C>A on the plus strand (G>T on the coding strand, the complement: ITGA7 is on the minus strand). VCF-style: chr12-55694433-C-A. GRCh37 (hg19) VCF-style: chr12-56088217-C-A.
Other names: c.2078+10G>T (NM_001144997.2); c.2030+10G>T (NM_001367993.1); c.2018+10G>T (NM_001414035.1); c.2174+10G>T (NM_001414033.1); c.1013+10G>T (NM_001367994.1); c.2237+10G>T (NM_001414032.1); c.2270+10G>T (NM_001414031.1); c.2339+10G>T (NM_001374465.1); and 5 more.
Identifiers: ClinVar variation 512534 (VCV000512534.1), dbSNP rs1555160977, ClinGen allele CA658797922.